The following is an entry in ClinVar:

ClinVar aggregate classification (germline): Uncertain significance. Review status: criteria provided, single submitter (1 of 4 stars). 2 submissions from 2 submitters: Uncertain significance (1). 1 of the submissions does not count toward it. Last evaluated 2025-09-06.

Conditions:
Hajdu-Cheney syndrome (HJCYS). Also called: SERPENTINE FIBULA-POLYCYSTIC KIDNEY SYNDROME; Acroosteolysis dominant type; ACROOSTEOLYSIS WITH OSTEOPOROSIS AND CHANGES IN SKULL AND MANDIBLE. Identifiers: Orphanet 955, MedGen C0917715, MONDO:0007057, OMIM 102500.
NOTCH2-related disorder. Also called: NOTCH2-related condition.

Allele frequency attached by ClinVar (database versions not stated): gnomAD 0.00001; gnomAD exomes 0.00001; ExAC 0.00002.
gnomAD v4.1: 21 of 1,612,842 alleles (0.0013%); highest among the groups gnomAD compares: South Asian, 0.0033%; no homozygotes.

Submissions (2):

Labcorp Genetics (formerly Invitae), Labcorp
Classification: Uncertain significance for Hajdu-Cheney syndrome. Last evaluated: 2025-09-06. Review status: criteria provided, single submitter. Criteria: Invitae Variant Classification Sherloc (09022015). Collection method: clinical testing. Allele origin: germline.
Comment: This sequence change replaces alanine, which is neutral and non-polar, with valine, which is neutral and non-polar, at codon 2471 of the NOTCH2 protein (p.Ala2471Val). This variant is present in population databases (rs769520444, gnomAD 0.003%). This variant has not been reported in the literature in individuals affected with NOTCH2-related conditions. ClinVar contains an entry for this variant (Variation ID: 3028996). An algorithm developed to predict the effect of missense changes on protein structure and function (PolyPhen-2) suggests that this variant is likely to be disruptive. In summary, the available evidence is currently insufficient to determine the role of this variant in disease. Therefore, it has been classified as a Variant of Uncertain Significance.

PreventionGenetics, part of Exact Sciences
Classification: Uncertain significance for NOTCH2-related condition. Last evaluated: 2024-01-19. Review status: no assertion criteria provided. Collection method: clinical testing. Allele origin: germline. Not counted in ClinVar's aggregate classification.
Comment: The NOTCH2 c.7412C>T variant is predicted to result in the amino acid substitution p.Ala2471Val. To our knowledge, this variant has not been reported in the literature. This variant is reported in 0.0033% of alleles in individuals of South Asian descent in gnomAD. At this time, the clinical significance of this variant is uncertain due to the absence of conclusive functional and genetic evidence.

NM_024408.4(NOTCH2):c.7412C>T (p.Ala2471Val)

Gene: NOTCH2 (notch receptor 2; minus strand). Cytogenetic location: 1p12.
Variant type: single nucleotide variant.
Coding change: c.7412C>T on transcript NM_024408.4 (MANE Select); coding-DNA position 7412, C replaced by T.
Protein change: p.Ala2471Val; replaces alanine 2471 with valine.
Molecular consequence: missense variant.
Genome position (GRCh38, 1-based): chr1:119,915,310, G>A on the plus strand (C>T on the coding strand, the complement: NOTCH2 is on the minus strand). VCF-style: chr1-119915310-G-A. GRCh37 (hg19) VCF-style: chr1-120457933-G-A.
Other names: short protein forms A2471V.
Identifiers: ClinVar variation 3028996 (VCV003028996.3), dbSNP rs769520444, ClinGen allele CA1039273.